The following is an entry in ClinVar:

NM_000384.3(APOB):c.11389T>A (p.Leu3797Ile)

Gene: APOB (apolipoprotein B; minus strand). Cytogenetic location: 2p24.1.
Variant type: single nucleotide variant.
Coding change: c.11389T>A on transcript NM_000384.3 (MANE Select); coding-DNA position 11389, T replaced by A.
Protein change: p.Leu3797Ile; replaces leucine 3797 with isoleucine.
Molecular consequence: missense variant.
Genome position (GRCh38, 1-based): chr2:21,005,479, A>T on the plus strand (T>A on the coding strand, the complement: APOB is on the minus strand). VCF-style: chr2-21005479-A-T. GRCh37 (hg19) VCF-style: chr2-21228351-A-T.
Other names: short protein forms L3797I.
Identifiers: ClinVar variation 2531344 (VCV002531344.3), dbSNP rs1410760521, ClinGen allele CA345979270.

ClinVar aggregate classification (germline): Uncertain significance (1 of 4 stars; one submission).

Conditions:
Cardiovascular phenotype. Identifiers: MedGen CN230736.

gnomAD v4.1: 1 of 1,614,012 alleles (0.000062%); highest among the groups gnomAD compares: East Asian, 0.0022%; no homozygotes.

Submission:

Ambry Genetics
Classification: Uncertain significance for Cardiovascular phenotype. Last evaluated: 2026-09-11. Review status: criteria provided, single submitter. Criteria: Ambry Variant Classification Scheme 2023. Collection method: clinical testing. Allele origin: germline.
Comment: The p.L3797I variant (also known as c.11389T>A), located in coding exon 26 of the APOB gene, results from a T to A substitution at nucleotide position 11389. The leucine at codon 3797 is replaced by isoleucine, an amino acid with highly similar properties. This amino acid position is conserved. In addition, this alteration is predicted to be tolerated by in silico analysis. Based on the available evidence, the clinical significance of this variant remains unclear.